The following is an entry in ClinVar:

ClinVar aggregate classification (germline): Uncertain significance. Review status: criteria provided, multiple submitters, no conflicts (2 of 4 stars). 2 submissions from 2 submitters: Uncertain significance (2). Last evaluated 2024-12-14.

Conditions:
Inborn genetic diseases. Identifiers: MedGen C0950123, MeSH D030342.

Allele frequency attached by ClinVar (database versions not stated): gnomAD exomes below 0.00001; ExAC 0.00003; TOPMed 0.00009; gnomAD 0.00011; ESP Exome Variant Server 0.00023.
gnomAD v4.1: 22 of 1,613,580 alleles (0.0014%); highest among the groups gnomAD compares: African/African-American, 0.025%; no homozygotes.

Submissions (2):

Ambry Genetics
Classification: Uncertain significance for Inborn genetic diseases. Last evaluated: 2024-12-14. Review status: criteria provided, single submitter. Criteria: Ambry Variant Classification Scheme 2023. Collection method: clinical testing. Allele origin: germline.

Labcorp Genetics (formerly Invitae), Labcorp
Classification: Uncertain significance. Last evaluated: 2024-11-04. Review status: criteria provided, single submitter. Criteria: Invitae Variant Classification Sherloc (09022015). Collection method: clinical testing. Allele origin: germline.
Comment: This sequence change replaces proline, which is neutral and non-polar, with leucine, which is neutral and non-polar, at codon 183 of the GLIS3 protein (p.Pro183Leu). This variant is present in population databases (rs143836372, gnomAD 0.03%). This variant has not been reported in the literature in individuals affected with GLIS3-related conditions. ClinVar contains an entry for this variant (Variation ID: 2419790). An algorithm developed to predict the effect of missense changes on protein structure and function (PolyPhen-2) suggests that this variant is likely to be disruptive. In summary, the available evidence is currently insufficient to determine the role of this variant in disease. Therefore, it has been classified as a Variant of Uncertain Significance.

NM_001042413.2(GLIS3):c.1013C>T (p.Pro338Leu)

Gene: GLIS3 (GLIS family zinc finger 3; minus strand). Cytogenetic location: 9p24.2.
Variant type: single nucleotide variant.
Coding change: c.1013C>T on transcript NM_001042413.2 (MANE Select); coding-DNA position 1013, C replaced by T.
Protein change: p.Pro338Leu; replaces proline 338 with leucine.
Molecular consequence: missense variant.
Genome position (GRCh38, 1-based): chr9:4,118,465, G>A on the plus strand (C>T on the coding strand, the complement: GLIS3 is on the minus strand). VCF-style: chr9-4118465-G-A. GRCh37 (hg19) VCF-style: chr9-4118465-G-A.
Other names: c.548C>T (NM_152629.3); c.548C>T, p.Pro183Leu (NM_152629.4); short protein forms P183L, P338L.
Identifiers: ClinVar variation 2419790 (VCV002419790.5), dbSNP rs143836372, ClinGen allele CA4968333.